The following is an entry in ClinVar:

ClinVar aggregate classification (germline): Pathogenic (1 of 4 stars; one submission).

Conditions:
Axenfeld-Rieger anomaly with partially absent eye muscles, distinctive face, hydrocephaly, and skeletal abnormalities. Also called: DE HAUWERE SYNDROME; IRIS DYSPLASIA WITH OCULAR HYPERTELORISM, PSYCHOMOTOR RETARDATION, AND SENSORINEURAL DEAFNESS. Identifiers: MedGen C1862373, MONDO:0007180, OMIM 109120.

Submission:

Genetics Department, University Hospital of Toulouse
Classification: Pathogenic for Axenfeld-Rieger anomaly with partially absent eye muscles, distinctive face, hydrocephaly, and skeletal abnormalities. Last evaluated: 2022-10-15. Review status: criteria provided, single submitter. Criteria: ACMG Guidelines, 2015. Collection method: clinical testing. Allele origin: germline. Affected: yes.
Comment: P (PSVS1, PS2, PM2)

NM_001453.3(FOXC1):c.161del (p.Glu54fs)

Gene: FOXC1 (forkhead box C1; plus strand). Cytogenetic location: 6p25.3.
Variant type: Deletion.
Coding change: c.161del on transcript NM_001453.3 (MANE Select); coding-DNA position 161, one base deleted (A; older notation c.161delA).
Protein change: p.Glu54fs; shifts the reading frame from glutamic acid 54.
Molecular consequence: frameshift variant.
Genome position (GRCh38, 1-based): chr6:1,610,606, A deleted. VCF-style (leftmost placement, unchanged base first): chr6-1610605-GA-G. GRCh37 (hg19) VCF-style: chr6-1610840-GA-G.
Other names: c.161delA (NM_001453.3); short protein forms E54fs.
Identifiers: ClinVar variation 1710332 (VCV001710332.1), dbSNP rs2471744858, ClinGen allele CA2580074185.